The following is an entry in ClinVar:

NM_001370658.1(BTD):c.1029A>C (p.Lys343Asn)

Gene: BTD (biotinidase; plus strand). Cytogenetic location: 3p25.1.
Variant type: single nucleotide variant.
Coding change: c.1029A>C on transcript NM_001370658.1 (MANE Select); coding-DNA position 1029, A replaced by C.
Protein change: p.Lys343Asn; replaces lysine 343 with asparagine.
Molecular consequence: missense variant. On other transcripts: intron variant (8).
Genome position (GRCh38, 1-based): chr3:15,644,945, A>C. VCF-style: chr3-15644945-A-C. GRCh37 (hg19) VCF-style: chr3-15686452-A-C.
Other names: c.1029A>C, p.Lys343Asn (NM_001407375.1, NM_001407376.1, NM_001407377.1 and 16 more transcripts); c.1015+14A>C (NM_001370752.1, NM_001407379.1); c.399+2888A>C (NM_001370753.1, NM_001407400.1, NM_001407380.1 and 3 more transcripts); short protein forms K343N.
Identifiers: ClinVar variation 3677510 (VCV003677510.2).

ClinVar aggregate classification (germline): Uncertain significance (1 of 4 stars; one submission).

Conditions:
Biotinidase deficiency. Also called: BTD deficiency; Late-onset biotin-responsive multiple carboxylase deficiency; Biotin deficiency. Identifiers: Orphanet 79241, MedGen C0220754, MONDO:0009665, OMIM 253260.

gnomAD v4.1: 7 of 1,614,148 alleles (0.00043%); highest among the groups gnomAD compares: Non-Finnish European, 0.00059%; no homozygotes.

Submission:

Labcorp Genetics (formerly Invitae), Labcorp
Classification: Uncertain significance for Biotinidase deficiency. Last evaluated: 2024-12-03. Review status: criteria provided, single submitter. Criteria: Invitae Variant Classification Sherloc (09022015). Collection method: clinical testing. Allele origin: germline.
Comment: This sequence change replaces lysine, which is basic and polar, with asparagine, which is neutral and polar, at codon 363 of the BTD protein (p.Lys363Asn). This variant is not present in population databases (gnomAD no frequency). This variant has not been reported in the literature in individuals affected with BTD-related conditions. Invitae Evidence Modeling of protein sequence and biophysical properties (such as structural, functional, and spatial information, amino acid conservation, physicochemical variation, residue mobility, and thermodynamic stability) indicates that this missense variant is not expected to disrupt BTD protein function with a negative predictive value of 95%. In summary, the available evidence is currently insufficient to determine the role of this variant in disease. Therefore, it has been classified as a Variant of Uncertain Significance.